The following is an entry in ClinVar:

NM_198904.4(GABRG2):c.596T>C (p.Met199Thr)

Gene: GABRG2 (gamma-aminobutyric acid type A receptor subunit gamma2; plus strand). Cytogenetic location: 5q34.
Variant type: single nucleotide variant.
Coding change: c.596T>C on transcript NM_198904.4 (MANE Select); coding-DNA position 596, T replaced by C.
Protein change: p.Met199Thr; replaces methionine 199 with threonine.
Molecular consequence: missense variant.
Genome position (GRCh38, 1-based): chr5:162,101,282, T>C. VCF-style: chr5-162101282-T-C. GRCh37 (hg19) VCF-style: chr5-161528288-T-C.
Other names: c.596T>C, p.Met199Thr (NM_000816.3, NM_001375340.1, NM_001375341.1 and 4 more transcripts); c.587T>C, p.Met196Thr (NM_001375339.1); c.530T>C, p.Met177Thr (NM_001375345.1, NM_001375346.1); c.509T>C, p.Met170Thr (NM_001375347.1); c.176T>C, p.Met59Thr (NM_001375348.1, NM_001375350.1); c.311T>C, p.Met104Thr (NM_001375349.1); short protein forms M199T, M104T, M170T, M177T, M196T, M59T.
Identifiers: ClinVar variation 205544 (VCV000205544.12), dbSNP rs770506471, ClinGen allele CA314719.

ClinVar aggregate classification (germline): Uncertain significance. Review status: criteria provided, multiple submitters, no conflicts (2 of 4 stars). 2 submissions from 2 submitters: Uncertain significance (2). Last evaluated 2019-08-13.

Conditions:
Inborn genetic diseases. Identifiers: MedGen C0950123, MeSH D030342.
EPILEPSY, CHILDHOOD ABSENCE, SUSCEPTIBILITY TO, 2 (ECA2). Identifiers: Orphanet 64280, MedGen C1843244, OMIM 607681.
Febrile seizures, familial, 8 (FEB8). Also called: CONVULSIONS, FAMILIAL FEBRILE, 8. Identifiers: Orphanet 36387, MedGen C1969810, MONDO:0011891, OMIM 607681.

Submissions (2):

Labcorp Genetics (formerly Invitae), Labcorp
Classification: Uncertain significance for Febrile seizures, familial, 8; EPILEPSY, CHILDHOOD ABSENCE, SUSCEPTIBILITY TO, 2. Last evaluated: 2019-08-13. Review status: criteria provided, single submitter. Criteria: Invitae Variant Classification Sherloc (09022015). Collection method: clinical testing. Allele origin: germline.
Comment: In summary, the available evidence is currently insufficient to determine the role of this variant in disease. Therefore, it has been classified as a Variant of Uncertain Significance. This variant disrupts the p.Met199 amino acid residue in GABRG2. Other variant(s) that disrupt this residue have been observed in individuals with GABRG2-related conditions (PMID:27066572), which suggests that this may be a clinically significant amino acid residue. Algorithms developed to predict the effect of missense changes on protein structure and function (SIFT, PolyPhen-2, Align-GVGD) all suggest that this variant is likely to be disruptive, but these predictions have not been confirmed by published functional studies and their clinical significance is uncertain. This variant has not been reported in the literature in individuals with GABRG2-related conditions. ClinVar contains an entry for this variant (Variation ID: 205544). This variant is not present in population databases (ExAC no frequency). This sequence change replaces methionine with threonine at codon 199 of the GABRG2 protein (p.Met199Thr). The methionine residue is highly conserved and there is a moderate physicochemical difference between methionine and threonine.

Ambry Genetics
Classification: Uncertain significance for Inborn genetic diseases. Last evaluated: 2015-10-01. Review status: criteria provided, single submitter. Criteria: Ambry exome assertion method (8-5-2015). Collection method: clinical testing. Allele origin: germline. Affected: yes. Observed: 1 variant allele.

Literature cited by the submitters: PubMed 27066572 (cited by Labcorp Genetics (formerly Invitae), Labcorp).